The following is an entry in ClinVar:

NM_004186.5(SEMA3F):c.198C>T (p.His66=)

Gene: SEMA3F (semaphorin 3F; plus strand). Cytogenetic location: 3p21.31.
Variant type: single nucleotide variant.
Coding change: c.198C>T on transcript NM_004186.5 (MANE Select); coding-DNA position 198, C replaced by T.
Protein change: p.His66=; no amino-acid change (histidine 66 retained).
Molecular consequence: synonymous variant. On other transcripts: 5 prime UTR variant (1).
Genome position (GRCh38, 1-based): chr3:50,173,878, C>T. VCF-style: chr3-50173878-C-T. GRCh37 (hg19) VCF-style: chr3-50211311-C-T.
Other names: c.-7C>T (NM_001318798.2); c.198C>T, p.His66= (NM_001318800.2).
Identifiers: ClinVar variation 4988440 (VCV004988440.1).

ClinVar aggregate classification (germline): Likely benign (1 of 4 stars; one submission).

Conditions:
SEMA3F-related disorder. Also called: SEMA3F-related condition.

gnomAD v4.1: 16 of 1,614,192 alleles (0.00099%); highest among the groups gnomAD compares: South Asian, 0.0077%; no homozygotes.

Submission:

PreventionGenetics, part of Exact Sciences
Classification: Likely benign for SEMA3F-related condition. Last evaluated: 2025-05-22. Review status: criteria provided, single submitter. Criteria: ACMG Guidelines, 2015. Collection method: clinical testing. Allele origin: germline.
Comment: This variant is classified as likely benign based on ACMG/AMP sequence variant interpretation guidelines (Richards et al. 2015 PMID: 25741868, with internal and published modifications).